The following is an entry in ClinVar:

NM_033409.4(SLC52A3):c.1233T>C (p.Ser411=)

Gene: SLC52A3 (solute carrier family 52 member 3; minus strand). Cytogenetic location: 20p13.
Variant type: single nucleotide variant.
Coding change: c.1233T>C on transcript NM_033409.4 (MANE Select); coding-DNA position 1233, T replaced by C.
Protein change: p.Ser411=; no amino-acid change (serine 411 retained).
Molecular consequence: synonymous variant.
Genome position (GRCh38, 1-based): chr20:761,203, A>G on the plus strand (T>C on the coding strand, the complement: SLC52A3 is on the minus strand). VCF-style: chr20-761203-A-G. GRCh37 (hg19) VCF-style: chr20-741847-A-G.
Other names: p.Ser411=; c.1233T>C, p.Ser411= (NM_001370085.1, NM_001370086.1).
Identifiers: ClinVar variation 262230 (VCV000262230.23), dbSNP rs910857, ClinGen allele CA9724535.

ClinVar aggregate classification (germline): Benign. Review status: criteria provided, multiple submitters, no conflicts (2 of 4 stars). 11 submissions from 10 submitters: Benign (9). 2 of the submissions do not count toward it. Last evaluated 2026-02-04.

Conditions:
Brown-Vialetto-van Laere syndrome 1. Also called: BULBAR PALSY, PROGRESSIVE, WITH SENSORINEURAL DEAFNESS; PONTOBULBAR PALSY WITH DEAFNESS; BROWN-VIALETTO-VAN LAERE SYNDROME 1, MILD. Identifiers: Orphanet 572550, Orphanet 97229, MedGen C0796274, MONDO:0024537, OMIM 211530.
Progressive bulbar palsy of childhood. Also called: FAZIO-LONDE DISEASE; Childhood Progressive Bulbar Palsy. Identifiers: MedGen C0393540, MONDO:0100428, OMIM 211500.

Allele frequency attached by ClinVar (database versions not stated): gnomAD 0.68453 and 0.68551; ExAC 0.70216; 1000 Genomes Project 30x 0.65646; ESP Exome Variant Server 0.70226; 1000 Genomes Project 0.65535; TOPMed 0.67261.
gnomAD v4.1: 1,110,336 of 1,558,282 alleles (71%); highest among the groups gnomAD compares: South Asian, 73%; 397,953 homozygotes.

Submissions (11):

Labcorp Genetics (formerly Invitae), Labcorp
Classification: Benign for Brown-Vialetto-van Laere syndrome 1. Last evaluated: 2026-02-04. Review status: criteria provided, single submitter. Criteria: Invitae Variant Classification Sherloc (09022015). Collection method: clinical testing. Allele origin: germline.

Blueprint Genetics
Classification: Benign. Last evaluated: 2024-11-28. Review status: criteria provided, single submitter. Criteria: ACMG Guidelines, 2015. Collection method: clinical testing. Allele origin: germline.

Mayo Clinic Laboratories, Mayo Clinic
Classification: Benign. Last evaluated: 2022-04-26. Review status: criteria provided, single submitter. Criteria: ACMG Guidelines, 2015. Collection method: clinical testing. Allele origin: germline. Observed: 1,337 variant alleles.

Genome-Nilou Lab
Classification: Benign for Progressive bulbar palsy of childhood. Last evaluated: 2021-07-14. Review status: criteria provided, single submitter. Criteria: ACMG Guidelines, 2015. Collection method: clinical testing. Allele origin: germline. Affected: no.

Genome-Nilou Lab
Classification: Benign for Brown-Vialetto-van Laere syndrome 1. Last evaluated: 2021-07-14. Review status: criteria provided, single submitter. Criteria: ACMG Guidelines, 2015. Collection method: clinical testing. Allele origin: germline. Affected: no.

GeneDx
Classification: Benign. Last evaluated: 2018-06-13. Review status: criteria provided, single submitter. Criteria: GeneDx Variant Classification (06012015). Collection method: clinical testing. Allele origin: germline. Affected: yes.
Comment: This variant is considered likely benign or benign based on one or more of the following criteria: it is a conservative change, it occurs at a poorly conserved position in the protein, it is predicted to be benign by multiple in silico algorithms, and/or has population frequency not consistent with disease.

Laboratory for Molecular Medicine, Mass General Brigham Personalized Medicine
Classification: Benign. Last evaluated: 2017-08-23. Review status: criteria provided, single submitter. Criteria: LMM Criteria. Collection method: clinical testing. Allele origin: germline. Observed: 245 variant alleles.
Comment: p.Ser411Ser in exon 5 of SLC52A3: This variant is not expected to have clinical significance because it does not alter an amino acid residue, is not located wit hin the splice consensus sequence, and has been identified in 73.41% (6372/8680) of South Asian chromosomes by the Exome Aggregation Consortium (ExAC; dbSNP rs910857).

Breakthrough Genomics
Classification: Benign. Review status: criteria provided, single submitter. Criteria: ACMG Guidelines, 2015. Collection method: not provided. Allele origin: germline. Inheritance: Autosomal recessive inheritance. Affected: yes.

PreventionGenetics, part of Exact Sciences
Classification: Benign. Review status: criteria provided, single submitter. Criteria: ACMG Guidelines, 2015. Collection method: clinical testing. Allele origin: germline.

Clinical Genetics, Academic Medical Center
Classification: Benign. Review status: no assertion criteria provided. Collection method: clinical testing. Allele origin: germline. Affected: yes. Study: VKGL Data-share Consensus. Not counted in ClinVar's aggregate classification.

Diagnostic Laboratory, Department of Genetics, University Medical Center Groningen
Classification: Benign. Review status: no assertion criteria provided. Collection method: clinical testing. Allele origin: germline. Affected: yes. Study: VKGL Data-share Consensus. Not counted in ClinVar's aggregate classification.